The following is an entry in ClinVar:

ClinVar aggregate classification (germline): Uncertain significance (1 of 4 stars; one submission).

Submission:

Women's Health and Genetics/Laboratory Corporation of America, LabCorp
Classification: Uncertain significance. Last evaluated: 2024-07-09. Review status: criteria provided, single submitter. Criteria: LabCorp Variant Classification Summary - May 2015. Collection method: clinical testing. Allele origin: germline.
Comment: Variant summary: DYNC1H1 c.9643-8C>T alters a non-conserved nucleotide located close to a canonical splice site and therefore could affect mRNA splicing, leading to a significantly altered protein sequence. Consensus agreement among computation tools predict no significant impact on normal splicing. However, these predictions have yet to be confirmed by functional studies. The variant was absent in 251444 control chromosomes. The available data on variant occurrences in the general population are insufficient to allow any conclusion about variant significance. To our knowledge, no occurrence of c.9643-8C>T in individuals affected with DYNC1H1-Related Disorders and no experimental evidence demonstrating its impact on protein function have been reported. No submitters have cited clinical-significance assessments for this variant to ClinVar. Based on the evidence outlined above, the variant was classified as uncertain significance.

NM_001376.5(DYNC1H1):c.9643-8C>T

Gene: DYNC1H1 (dynein cytoplasmic 1 heavy chain 1; plus strand). Cytogenetic location: 14q32.31.
Variant type: single nucleotide variant.
Coding change: c.9643-8C>T on transcript NM_001376.5 (MANE Select); 8 bases into the intron before coding-DNA position 9643, C replaced by T.
Molecular consequence: intron variant.
Genome position (GRCh38, 1-based): chr14:102,029,811, C>T. VCF-style: chr14-102029811-C-T. GRCh37 (hg19) VCF-style: chr14-102496148-C-T.
Identifiers: ClinVar variation 3339024 (VCV003339024.1).